The following is an entry in ClinVar:

ClinVar aggregate classification (germline): Uncertain significance (1 of 4 stars; one submission).

Conditions:
Nemaline myopathy 2 (NEM2). Also called: Nemaline myopathy 2, autosomal recessive. Identifiers: MedGen C1850569, MONDO:0009725, OMIM 256030.

Allele frequency attached by ClinVar (database versions not stated): gnomAD exomes below 0.00001.

Submission:

Labcorp Genetics (formerly Invitae), Labcorp
Classification: Uncertain significance for Nemaline myopathy 2. Last evaluated: 2025-04-30. Review status: criteria provided, single submitter. Criteria: Invitae Variant Classification Sherloc (09022015). Collection method: clinical testing. Allele origin: germline.
Comment: This sequence change replaces serine, which is neutral and polar, with alanine, which is neutral and non-polar, at codon 425 of the NEB protein (p.Ser425Ala). This variant is present in population databases (no rsID available, gnomAD 0.006%). This variant has not been reported in the literature in individuals affected with NEB-related conditions. ClinVar contains an entry for this variant (Variation ID: 1038640). Experimental studies and prediction algorithms are not available or were not evaluated, and the functional significance of this variant is currently unknown. In summary, the available evidence is currently insufficient to determine the role of this variant in disease. Therefore, it has been classified as a Variant of Uncertain Significance.

NM_001164508.2(NEB):c.1273T>G (p.Ser425Ala)

Gene: NEB (nebulin; minus strand). Cytogenetic location: 2q23.3.
Variant type: single nucleotide variant.
Coding change: c.1273T>G on transcript NM_001164508.2 (MANE Select); coding-DNA position 1273, T replaced by G.
Protein change: p.Ser425Ala; replaces serine 425 with alanine.
Molecular consequence: missense variant.
Genome position (GRCh38, 1-based): chr2:151,697,442, A>C on the plus strand (T>G on the coding strand, the complement: NEB is on the minus strand). VCF-style: chr2-151697442-A-C. GRCh37 (hg19) VCF-style: chr2-152553956-A-C.
Other names: c.1273T>G, p.Ser425Ala (NM_001164507.2, NM_001271208.2, NM_004543.5); short protein forms S425A.
Identifiers: ClinVar variation 1038640 (VCV001038640.8), dbSNP rs1270235018, ClinGen allele CA348825751.